The following is an entry in ClinVar:

NM_003999.3(OSMR):c.2782G>A (p.Asp928Asn)

Gene: OSMR (oncostatin M receptor; plus strand). Cytogenetic location: 5p13.1.
Variant type: single nucleotide variant.
Coding change: c.2782G>A on transcript NM_003999.3 (MANE Select); coding-DNA position 2782, G replaced by A.
Protein change: p.Asp928Asn; replaces aspartic acid 928 with asparagine.
Molecular consequence: missense variant.
Genome position (GRCh38, 1-based): chr5:38,933,286, G>A. VCF-style: chr5-38933286-G-A. GRCh37 (hg19) VCF-style: chr5-38933388-G-A.
Other names: c.2782G>A, p.Asp928Asn (NM_001323505.2); c.2785G>A, p.Asp929Asn (NM_001323506.2); short protein forms D928N, D929N.
Identifiers: ClinVar variation 4689279 (VCV004689279.1).

ClinVar aggregate classification (germline): Uncertain significance (1 of 4 stars; one submission).

Submission:

Women's Health and Genetics/Laboratory Corporation of America, LabCorp
Classification: Uncertain significance. Last evaluated: 2026-01-19. Review status: criteria provided, single submitter. Criteria: LabCorp Variant Classification Summary - May 2015. Collection method: clinical testing. Allele origin: germline.
Comment: Variant summary: OSMR c.2782G>A (p.Asp928Asn) results in a conservative amino acid change in the encoded protein sequence. Algorithms developed to predict the effect of missense changes on protein structure and function all suggest that this variant is likely to be tolerated. The variant allele was found at a frequency of 4e-06 in 251386 control chromosomes. The available data on variant occurrences in the general population are insufficient to allow any conclusion about variant significance. To our knowledge, no occurrence of c.2782G>A in individuals affected with OSMR-related conditions and no experimental evidence demonstrating its impact on protein function have been reported. No submitters have cited clinical-significance assessments for this variant to ClinVar. Based on the evidence outlined above, the variant was classified as uncertain significance.